The following is an entry in ClinVar:

NM_000135.4(FANCA):c.2255C>T (p.Thr752Ile)

Gene: FANCA (FA complementation group A; minus strand). Cytogenetic location: 16q24.3.
Variant type: single nucleotide variant.
Coding change: c.2255C>T on transcript NM_000135.4 (MANE Select); coding-DNA position 2255, C replaced by T.
Protein change: p.Thr752Ile; replaces threonine 752 with isoleucine.
Molecular consequence: missense variant.
Genome position (GRCh38, 1-based): chr16:89,770,227, G>A on the plus strand (C>T on the coding strand, the complement: FANCA is on the minus strand). VCF-style: chr16-89770227-G-A. GRCh37 (hg19) VCF-style: chr16-89836635-G-A.
Other names: c.2255C>T, p.Thr752Ile (NM_001286167.3); short protein forms T752I.
Identifiers: ClinVar variation 3581512 (VCV003581512.2).

ClinVar aggregate classification (germline): Uncertain significance. Review status: criteria provided, multiple submitters, no conflicts (2 of 4 stars). 2 submissions from 2 submitters: Uncertain significance (2). Last evaluated 2025-01-03.

Conditions:
Inborn genetic diseases. Identifiers: MedGen C0950123, MeSH D030342.
Fanconi anemia complementation group A (FANCA). Also called: FANCA-Related Fanconi Anemia; Fanconi anemia, group A. Identifiers: Orphanet 84, MedGen C3469521, MONDO:0009215, OMIM 227650.

Submissions (2):

Ambry Genetics
Classification: Uncertain significance for Inborn genetic diseases. Last evaluated: 2025-01-03. Review status: criteria provided, single submitter. Criteria: Ambry Variant Classification Scheme 2023. Collection method: clinical testing. Allele origin: germline.
Comment: The p.T752I variant (also known as c.2255C>T), located in coding exon 25 of the FANCA gene, results from a C to T substitution at nucleotide position 2255. The threonine at codon 752 is replaced by isoleucine, an amino acid with similar properties. This amino acid position is conserved. In addition, the in silico prediction for this alteration is inconclusive. Based on the available evidence, the clinical significance of this variant remains unclear.

Fulgent Genetics
Classification: Uncertain significance for Fanconi anemia complementation group A. Last evaluated: 2024-01-20. Review status: criteria provided, single submitter. Criteria: ACMG Guidelines, 2015. Collection method: clinical testing. Allele origin: germline.